The following is an entry in ClinVar:

ClinVar aggregate classification (germline): Uncertain significance. Review status: criteria provided, multiple submitters, no conflicts (2 of 4 stars). 4 submissions from 4 submitters: Uncertain significance (4). Last evaluated 2025-11-17.

Conditions:
Cardiomyopathy (CMYO). Also called: Cardiomyopathies. Identifiers: Orphanet 167848, MedGen C0878544, MONDO:0004994, HP:0001638. Inheritance: Various modes of inheritance.
Cardiovascular phenotype. Identifiers: MedGen CN230736.
Hypertrophic cardiomyopathy 10. Also called: MYL2-Related Familial Hypertrophic Cardiomyopathy; CARDIOMYOPATHY, HYPERTROPHIC, MID-LEFT VENTRICULAR CHAMBER TYPE, 2. Identifiers: MedGen C1834460, MONDO:0012112, OMIM 608758.

Submissions (4):

Labcorp Genetics (formerly Invitae), Labcorp
Classification: Uncertain significance for Hypertrophic cardiomyopathy 10. Last evaluated: 2025-11-17. Review status: criteria provided, single submitter. Criteria: Invitae Variant Classification Sherloc (09022015). Collection method: clinical testing. Allele origin: germline.
Comment: This sequence change creates a premature translational stop signal (p.Leu100Glnfs*4) in the MYL2 gene. It is expected to result in an absent or disrupted protein product. However, the current clinical and genetic evidence is not sufficient to establish whether loss-of-function variants in MYL2 cause disease. This variant is not present in population databases (gnomAD no frequency). This variant has not been reported in the literature in individuals affected with MYL2-related conditions. ClinVar contains an entry for this variant (Variation ID: 925597). In summary, the available evidence is currently insufficient to determine the role of this variant in disease. Therefore, it has been classified as a Variant of Uncertain Significance.

Revvity Omics, Revvity
Classification: Uncertain significance. Last evaluated: 2025-05-20. Review status: criteria provided, single submitter. Criteria: ACMG Guidelines, 2015. Collection method: clinical testing. Allele origin: germline.

Ambry Genetics
Classification: Uncertain significance for Cardiovascular phenotype. Last evaluated: 2025-03-20. Review status: criteria provided, single submitter. Criteria: Ambry Variant Classification Scheme 2023. Collection method: clinical testing. Allele origin: germline.
Comment: The c.299_309del11 variant, located in coding exon 5 of the MYL2 gene, results from a deletion of 11 nucleotides at nucleotide positions 299 to 309, causing a translational frameshift with a predicted alternate stop codon (p.L100Qfs*4). This alteration is expected to result in loss of function by premature protein truncation or nonsense-mediated mRNA decay. Although biallelic loss of function of MYL2 has been associated with autosomal recessive MYL2-related myofibrillar myopathy with cardiomyopathy, haploinsufficiency of MYL2 has not been established as a mechanism of disease for autosomal dominant MYL2-related cardiomyopathy. Based on the supporting evidence, this variant is expected to be causative of autosomal recessive myofibrillar myopathy with cardiomyopathy when present along with a second pathogenic variant on the other allele; however, its clinical significance for autosomal dominant cardiomyopathy is unclear.

Color Diagnostics, LLC DBA Color Health
Classification: Uncertain significance for Cardiomyopathy. Last evaluated: 2023-03-29. Review status: criteria provided, single submitter. Criteria: ACMG Guidelines, 2015. Collection method: clinical testing. Allele origin: germline.
Comment: This variant deletes 11 nucleotides in exon 5 of the MYL2 gene, creating a frameshift and premature translation stop signal. This variant is expected to result in an absent or non-functional protein product. To our knowledge, this variant has not been reported in individuals affected with MYL2-related disorders in the literature. This variant has not been identified in the general population by the Genome Aggregation Database (gnomAD). Clinical relevance of loss-of-function MYL2 truncation variants in autosomal dominant cardiovascular disorders is not clearly established. The available evidence is insufficient to determine the role of this variant in disease conclusively. Therefore, this variant is classified as a Variant of Uncertain Significance.

NM_000432.4(MYL2):c.299_309del (p.Leu100fs)

Gene: MYL2 (myosin light chain 2; minus strand). Cytogenetic location: 12q24.11.
Variant type: Deletion.
Coding change: c.299_309del on transcript NM_000432.4 (MANE Select); coding-DNA positions 299 to 309, 11 bases deleted (TCAACGCATTC).
Protein change: p.Leu100fs; shifts the reading frame from leucine 100.
Molecular consequence: frameshift variant.
Genome position (GRCh38, 1-based): chr12:110,913,290-110,913,300, GAATGCGTTGA deleted on the plus strand (TCAACGCATTC on the coding strand, the reverse complement: MYL2 is on the minus strand); deleting any 11 consecutive bases within chr12:110,913,290-110,913,305 gives the same sequence; the c. name uses the placement nearest the transcript's 3' end. VCF-style (leftmost placement, unchanged base first): chr12-110913289-TGAATGCGTTGA-T. GRCh37 (hg19) VCF-style: chr12-111351093-TGAATGCGTTGA-T.
Other names: c.299_309del11 (NM_000432.3); short protein forms L100fs.
Identifiers: ClinVar variation 925597 (VCV000925597.14), dbSNP rs2071666850, ClinGen allele CA913188511.